The following is an entry in ClinVar:

ClinVar aggregate classification (germline): Uncertain significance (1 of 4 stars; one submission).

gnomAD v4.1: 8 of 1,539,190 alleles (0.00052%); highest among the groups gnomAD compares: Admixed American, 0.0021%; no homozygotes.

Submission:

Women's Health and Genetics/Laboratory Corporation of America, LabCorp
Classification: Uncertain significance. Last evaluated: 2025-11-03. Review status: criteria provided, single submitter. Criteria: LabCorp Variant Classification Summary - May 2015. Collection method: clinical testing. Allele origin: germline.
Comment: Variant summary: SETD2 c.103G>A (p.Val35Met) results in a conservative amino acid change in the encoded protein sequence. Algorithms developed to predict the effect of missense changes on protein structure and function all suggest that this variant is likely to be tolerated. The variant allele was found at a frequency of 6.9e-06 in 145492 control chromosomes. The available data on variant occurrences in the general population are insufficient to allow any conclusion about variant significance. To our knowledge, no occurrence of c.103G>A in individuals affected with SETD2-related conditions and no experimental evidence demonstrating its impact on protein function have been reported. No submitters have cited clinical-significance assessments for this variant to ClinVar. Based on the evidence outlined above, the variant was classified as uncertain significance.

NM_014159.7(SETD2):c.103G>A (p.Val35Met)

Gene: SETD2 (SET domain containing 2, histone lysine methyltransferase; minus strand). Cytogenetic location: 3p21.31.
Variant type: single nucleotide variant.
Coding change: c.103G>A on transcript NM_014159.7 (MANE Select); coding-DNA position 103, G replaced by A.
Protein change: p.Val35Met; replaces valine 35 with methionine.
Molecular consequence: missense variant. On other transcripts: 5 prime UTR variant (1), non-coding transcript variant (1).
Genome position (GRCh38, 1-based): chr3:47,124,533, C>T on the plus strand (G>A on the coding strand, the complement: SETD2 is on the minus strand). VCF-style: chr3-47124533-C-T. GRCh37 (hg19) VCF-style: chr3-47166023-C-T.
Other names: c.-30G>A (NM_001349370.3); short protein forms V35M.
Identifiers: ClinVar variation 4537162 (VCV004537162.1).